The following is an entry in ClinVar:

ClinVar aggregate classification (germline): Pathogenic (1 of 4 stars; one submission).

Submission:

GeneDx
Classification: Pathogenic. Last evaluated: 2015-12-30. Review status: criteria provided, single submitter. Criteria: GeneDx Variant Classification (06012015). Collection method: clinical testing. Allele origin: germline. Affected: yes.
Comment: The c.2500delT variant in the ANKRD11 gene has not been reported previously as a pathogenic variant nor as a benign variant, to our knowledge. The c.2500delT variant causes a frameshift starting with codon Serine 834, changes this amino acid to a Leucine residue, and creates a premature Stop codon at position 29 of the new reading frame, denoted p.Ser834LeufsX29. This variant is predicted to cause loss of normal protein function either through protein truncation or nonsense-mediated mRNA decay. The c.2500delT variant was not observed in approximately 6500 individuals of European and African American ancestry in the NHLBI Exome Sequencing Project, indicating it is not a common benign variant in these populations. We interpret c.2500delT as a pathogenic variant.

NM_013275.6(ANKRD11):c.2500del (p.Ser834fs)

Gene: ANKRD11 (ankyrin repeat domain containing 11; minus strand). Cytogenetic location: 16q24.3.
Variant type: Deletion.
Coding change: c.2500del on transcript NM_013275.6 (MANE Select); coding-DNA position 2500, one base deleted (T; older notation c.2500delT).
Protein change: p.Ser834fs; shifts the reading frame from serine 834.
Molecular consequence: frameshift variant.
Genome position (GRCh38, 1-based): chr16:89,284,042, A deleted on the plus strand (T on the coding strand, the reverse complement: ANKRD11 is on the minus strand); the first of 3 consecutive A bases (chr16:89,284,042-89,284,044); deleting any one gives the same sequence. VCF-style (leftmost placement, unchanged base first): chr16-89284041-GA-G. GRCh37 (hg19) VCF-style: chr16-89350449-GA-G.
Other names: c.2500del, p.Ser834fs (NM_001256182.2, NM_001256183.2); short protein forms S834fs.
Identifiers: ClinVar variation 280247 (VCV000280247.2), dbSNP rs886041486, ClinGen allele CA10603288.